The following is an entry in ClinVar:

NM_001242896.3(DEPDC5):c.3649_3652del (p.His1217fs)

Gene: DEPDC5 (DEP domain containing 5, GATOR1 subcomplex subunit; plus strand). Cytogenetic location: 22q12.3.
Variant type: Deletion.
Coding change: c.3649_3652del on transcript NM_001242896.3 (MANE Select); coding-DNA positions 3649 to 3652, 4 bases deleted (CACG; older notation c.3649_3652delCACG).
Protein change: p.His1217fs; shifts the reading frame from histidine 1217.
Molecular consequence: frameshift variant. On other transcripts: non-coding transcript variant (4).
Genome position (GRCh38, 1-based): chr22:31,874,358-31,874,361, CACG deleted. VCF-style (leftmost placement, unchanged base first): chr22-31874357-CCACG-C. GRCh37 (hg19) VCF-style: chr22-32270343-CCACG-C.
Other names: c.3622_3625del, p.His1208fs (NM_001136029.4); c.3349_3352del, p.His1117fs (NM_001242897.2); c.3583_3586del, p.His1195fs (NM_001363852.2, NM_001364320.2); c.3415_3418del, p.His1139fs (NM_001363854.2, NM_001364319.2); c.3649_3652del, p.His1217fs (NM_001364318.2); c.3565_3568del, p.His1189fs (NM_001369901.1, NM_001369902.1); c.3556_3559del, p.His1186fs (NM_001369903.1, NM_014662.6); short protein forms H1117fs, H1139fs, H1186fs, H1189fs, H1195fs, H1208fs, H1217fs.
Identifiers: ClinVar variation 3898580 (VCV003898580.7).

ClinVar aggregate classification (germline): Pathogenic (1 of 4 stars; one submission).

Submission:

CeGaT Center for Human Genetics Tuebingen
Classification: Pathogenic. Last evaluated: 2025-04-01. Review status: criteria provided, single submitter. Criteria: CeGaT Center For Human Genetics Tuebingen Variant Classification Criteria Version 2. Collection method: clinical testing. Allele origin: germline. Affected: yes. Observed: 1 variant allele.
Comment: DEPDC5: PVS1, PM2